The following is an entry in ClinVar:

ClinVar aggregate classification (germline): Likely benign. Review status: criteria provided, multiple submitters, no conflicts (2 of 4 stars). 2 submissions from 2 submitters: Likely benign (2). Last evaluated 2024-07-09.

Allele frequency attached by ClinVar (database versions not stated): ExAC 0.00002; gnomAD exomes 0.00002; gnomAD 0.00003; TOPMed 0.00003.
gnomAD v4.1: 30 of 1,611,574 alleles (0.0019%); highest among the groups gnomAD compares: East Asian, 0.0089%; no homozygotes.

Submissions (2):

Blueprint Genetics
Classification: Likely benign. Last evaluated: 2024-07-09. Review status: criteria provided, single submitter. Criteria: ACMG Guidelines, 2015. Collection method: clinical testing. Allele origin: germline.

CeGaT Center for Human Genetics Tuebingen
Classification: Likely benign. Last evaluated: 2023-05-01. Review status: criteria provided, single submitter. Criteria: CeGaT Center For Human Genetics Tuebingen Variant Classification Criteria Version 2. Collection method: clinical testing. Allele origin: germline. Affected: yes. Observed: 1 variant allele.
Comment: LRP1: BP4, BP7

NM_002332.3(LRP1):c.3021C>T (p.Asp1007=)

Gene: LRP1 (LDL receptor related protein 1; plus strand). Cytogenetic location: 12q13.3.
Variant type: single nucleotide variant.
Coding change: c.3021C>T on transcript NM_002332.3 (MANE Select); coding-DNA position 3021, C replaced by T.
Protein change: p.Asp1007=; no amino-acid change (aspartic acid 1007 retained).
Molecular consequence: synonymous variant.
Genome position (GRCh38, 1-based): chr12:57,169,165, C>T. VCF-style: chr12-57169165-C-T. GRCh37 (hg19) VCF-style: chr12-57562948-C-T.
Identifiers: ClinVar variation 2643115 (VCV002643115.25), dbSNP rs762328607, ClinGen allele CA6642954.